The following is an entry in ClinVar:

NM_015107.3(PHF8):c.2542C>T (p.Arg848Cys)

Gene: PHF8 (PHD finger protein 8; minus strand). Cytogenetic location: Xp11.22.
Variant type: single nucleotide variant.
Coding change: c.2542C>T on transcript NM_015107.3 (MANE Select); coding-DNA position 2542, C replaced by T.
Protein change: p.Arg848Cys; replaces arginine 848 with cysteine.
Molecular consequence: missense variant.
Genome position (GRCh38, 1-based): chrX:53,944,241, G>A on the plus strand (C>T on the coding strand, the complement: PHF8 is on the minus strand). VCF-style: chrX-53944241-G-A. GRCh37 (hg19) VCF-style: chrX-53970674-G-A.
Other names: c.2650C>T, p.Arg884Cys (NM_001184896.1, NM_001441097.1); c.2239C>T, p.Arg747Cys (NM_001184897.2); c.2491C>T, p.Arg831Cys (NM_001184898.2); c.2347C>T, p.Arg783Cys (NM_001441096.1, NM_001441098.1); short protein forms R783C, R831C, R848C, R747C, R884C.
Identifiers: ClinVar variation 4995274 (VCV004995274.1).

ClinVar aggregate classification (germline): Uncertain significance (1 of 4 stars; one submission).

Conditions:
PHF8-related disorder. Also called: PHF8-related condition.

gnomAD v4.1: 1 of 1,187,218 alleles (0.000084%); highest among the groups gnomAD compares: Non-Finnish European, 0.00011%; no homozygotes.

Submission:

PreventionGenetics, part of Exact Sciences
Classification: Uncertain significance for PHF8-related condition. Last evaluated: 2025-10-18. Review status: criteria provided, single submitter. Criteria: ACMG Guidelines, 2015. Collection method: clinical testing. Allele origin: germline.
Comment: The PHF8 c.2542C>T variant is predicted to result in the amino acid substitution p.Arg848Cys. To our knowledge, this variant has not been reported in the literature or in a large population database (gnomAD), indicating this variant is rare. At this time, the clinical significance of this variant is uncertain due to the absence of conclusive functional and genetic evidence.